The following is an entry in ClinVar:

ClinVar aggregate classification (germline): Uncertain significance. Review status: criteria provided, multiple submitters, no conflicts (2 of 4 stars). 2 submissions from 2 submitters: Uncertain significance (2). Last evaluated 2025-01-30.

Conditions:
Acrofacial dysostosis Cincinnati type. Identifiers: Orphanet 1200, MedGen C4225317, MONDO:0014651, OMIM 616462.

Allele frequency attached by ClinVar (database versions not stated): gnomAD 0.00001; gnomAD exomes 0.00001; TOPMed 0.00003.
gnomAD v4.1: 4 of 1,614,070 alleles (0.00025%); highest among the groups gnomAD compares: Middle Eastern, 0.016%; no homozygotes.

Submissions (2):

Revvity Omics, Revvity
Classification: Uncertain significance for Acrofacial dysostosis Cincinnati type. Last evaluated: 2025-01-30. Review status: criteria provided, single submitter. Criteria: ACMG Guidelines, 2015. Collection method: clinical testing. Allele origin: germline.

Labcorp Genetics (formerly Invitae), Labcorp
Classification: Uncertain significance. Last evaluated: 2023-11-16. Review status: criteria provided, single submitter. Criteria: Invitae Variant Classification Sherloc (09022015). Collection method: clinical testing. Allele origin: germline.
Comment: This sequence change replaces arginine, which is basic and polar, with glycine, which is neutral and non-polar, at codon 1453 of the POLR1A protein (p.Arg1453Gly). This variant is present in population databases (no rsID available, gnomAD 0.003%). This variant has not been reported in the literature in individuals affected with POLR1A-related conditions. Advanced modeling of protein sequence and biophysical properties (such as structural, functional, and spatial information, amino acid conservation, physicochemical variation, residue mobility, and thermodynamic stability) performed at Invitae indicates that this missense variant is not expected to disrupt POLR1A protein function with a negative predictive value of 80%. In summary, the available evidence is currently insufficient to determine the role of this variant in disease. Therefore, it has been classified as a Variant of Uncertain Significance.

NM_015425.6(POLR1A):c.4357A>G (p.Arg1453Gly)

Gene: POLR1A (RNA polymerase I subunit A; minus strand). Cytogenetic location: 2p11.2.
Variant type: single nucleotide variant.
Coding change: c.4357A>G on transcript NM_015425.6 (MANE Select); coding-DNA position 4357, A replaced by G.
Protein change: p.Arg1453Gly; replaces arginine 1453 with glycine.
Molecular consequence: missense variant.
Genome position (GRCh38, 1-based): chr2:86,031,551, T>C on the plus strand (A>G on the coding strand, the complement: POLR1A is on the minus strand). VCF-style: chr2-86031551-T-C. GRCh37 (hg19) VCF-style: chr2-86258674-T-C.
Other names: short protein forms R1453G.
Identifiers: ClinVar variation 2720730 (VCV002720730.4), dbSNP rs1236944808, ClinGen allele CA347546858.